The following is an entry in ClinVar:

NM_005898.5(CAPRIN1):c.1405G>A (p.Ala469Thr)

Gene: CAPRIN1 (cell cycle associated protein 1; plus strand). Cytogenetic location: 11p13.
Variant type: single nucleotide variant.
Coding change: c.1405G>A on transcript NM_005898.5 (MANE Select); coding-DNA position 1405, G replaced by A.
Protein change: p.Ala469Thr; replaces alanine 469 with threonine.
Molecular consequence: missense variant.
Genome position (GRCh38, 1-based): chr11:34,090,529, G>A. VCF-style: chr11-34090529-G-A. GRCh37 (hg19) VCF-style: chr11-34112076-G-A.
Other names: c.1405G>A, p.Ala469Thr (NM_203364.3); short protein forms A469T.
Identifiers: ClinVar variation 4685441 (VCV004685441.1).

ClinVar aggregate classification (germline): Uncertain significance (1 of 4 stars; one submission).

Submission:

GeneDx
Classification: Uncertain significance. Last evaluated: 2025-07-10. Review status: criteria provided, single submitter. Criteria: GeneDx Variant Classification Process June 2021. Collection method: clinical testing. Allele origin: germline. Affected: yes.
Comment: Not observed at significant frequency in large population cohorts (gnomAD); In silico analysis supports a deleterious effect on splicing; In silico analysis suggests that this missense variant does not alter protein structure/function; Has not been previously published as pathogenic or benign to our knowledge